The following is an entry in ClinVar:

ClinVar aggregate classification (germline): Conflicting classifications of pathogenicity. Review status: criteria provided, conflicting classifications (1 of 4 stars). 2 submissions from 2 submitters: Uncertain significance (1); Likely benign (1). Last evaluated 2025-02-15.

Conditions:
Inborn genetic diseases. Identifiers: MedGen C0950123, MeSH D030342.
Acute myeloid leukemia (AML). Also called: Acute myeloid leukemia, adult; AML adult; Acute non-lymphocytic leukemia; Acute granulocytic leukemia; Leukemia, acute myeloid, somatic; Leukemia, acute myelogenous, somatic. Identifiers: Orphanet 519, MedGen C0023467, MeSH D015470, MONDO:0018874, OMIM 601626, HP:0004808. Disease mechanism: Constitutively activated FLT3.

gnomAD v4.1: 1 of 1,600,306 alleles (0.000062%); no homozygotes.

Submissions (2):

Ambry Genetics
Classification: Likely benign for Inborn genetic diseases. Last evaluated: 2025-02-15. Review status: criteria provided, single submitter. Criteria: Ambry Variant Classification Scheme 2023. Collection method: clinical testing. Allele origin: germline.

Labcorp Genetics (formerly Invitae), Labcorp
Classification: Uncertain significance for Acute myeloid leukemia. Last evaluated: 2022-05-07. Review status: criteria provided, single submitter. Criteria: Invitae Variant Classification Sherloc (09022015). Collection method: clinical testing. Allele origin: germline.
Comment: This sequence change affects codon 272 of the CEBPA mRNA. It is a 'silent' change, meaning that it does not change the encoded amino acid sequence of the CEBPA protein. This variant is not present in population databases (gnomAD no frequency). This variant has not been reported in the literature in individuals affected with CEBPA-related conditions. In summary, the available evidence is currently insufficient to determine the role of this variant in disease. Therefore, it has been classified as a Variant of Uncertain Significance.

NM_004364.5(CEBPA):c.816C>T (p.Gly272=)

Gene: CEBPA (CCAAT enhancer binding protein alpha; minus strand). Cytogenetic location: 19q13.11.
Variant type: single nucleotide variant.
Coding change: c.816C>T on transcript NM_004364.5 (MANE Select); coding-DNA position 816, C replaced by T.
Protein change: p.Gly272=; no amino-acid change (glycine 272 retained).
Molecular consequence: synonymous variant.
Genome position (GRCh38, 1-based): chr19:33,301,599, G>A on the plus strand (C>T on the coding strand, the complement: CEBPA is on the minus strand). VCF-style: chr19-33301599-G-A. GRCh37 (hg19) VCF-style: chr19-33792505-G-A.
Other names: c.459C>T, p.Gly153= (NM_001285829.2); c.921C>T, p.Gly307= (NM_001287424.2); c.774C>T, p.Gly258= (NM_001287435.2).
Identifiers: ClinVar variation 2134962 (VCV002134962.5), dbSNP rs750852645, ClinGen allele CA507007083.
Genomic context (GRCh38, chr19:33,301,599, plus strand): 5'-GTTGCGCTCGCGCCGCACCCGGTACTCGTTGCTGTTCTTGTCCACCGACTTCTTGGCCTT[G>A]CCCGCGCCGCTGCCGCCACTCGCGCGGAGGTCGGGGTGCGCGGCGCCCAGCCCCTTGAGC-3'
Protein context (NP_004355.2, residues 262-282): DLRASGGSGA[Gly272=]KAKKSVDKNS